The following is an entry in ClinVar:

NM_139284.3(LGI4):c.1259_1266delinsCACACCAG (p.Asp420_Phe422delinsAlaHisGln)

Gene: LGI4 (leucine rich repeat LGI family member 4; minus strand). Cytogenetic location: 19q13.12.
Variant type: Indel.
Coding change: c.1259_1266delinsCACACCAG on transcript NM_139284.3 (MANE Select); coding-DNA positions 1259 to 1266, ACGTGTTC replaced by CACACCAG.
Protein change: p.Asp420_Phe422delinsAlaHisGln.
Molecular consequence: missense variant.
Genome position (GRCh38, 1-based): chr19:35,126,303-35,126,310, GAACACGT replaced by CTGGTGTG on the plus strand (ACGTGTTC replaced by CACACCAG on the coding strand, the reverse complement: LGI4 is on the minus strand). VCF-style: chr19-35126303-GAACACGT-CTGGTGTG. GRCh37 (hg19) VCF-style: chr19-35617207-GAACACGT-CTGGTGTG.
Other names: c.1259_1266delACGTGTTCinsCACACCAG (NM_139284.3).
Identifiers: ClinVar variation 3242075 (VCV003242075.1), dbSNP rs2513319241.
Genomic context (GRCh38, chr19:35,126,303, plus strand): 5'-GCCCCCCGCCCCCAGGCCCAGCCTCACCATGGAGTCCCCAATGTAGCGTGTGAGGCACAG[GAACACGT>CTGGTGTG]CCCCACCAGCCTGGAAGTGGCGTGTGGCATAGACATCCTCGGCCTCGGGGATGTCTGTGC-3'

ClinVar aggregate classification (germline): Uncertain significance (1 of 4 stars; one submission).

Conditions:
Arthrogryposis multiplex congenita 1, neurogenic, with myelin defect. Also called: Arthrogryposis multiplex congenita, neurogenic, with myelin defect. Identifiers: MedGen C4479539, MONDO:0060486, OMIM 617468.

Submission:

Neuberg Centre For Genomic Medicine, NCGM
Classification: Uncertain significance for Arthrogryposis multiplex congenita 1, neurogenic, with myelin defect. Review status: criteria provided, single submitter. Criteria: ACMG Guidelines, 2015. Collection method: clinical testing. Allele origin: germline. Inheritance: Autosomal recessive inheritance. Affected: yes.
Comment: The observed insertion/deletion (InDel) variant c.1259_1266delACGTGTTCinsCACACCAG (p.Asp420_Phe422delinsAlaHisGln) in LGI4 gene has not been reported previously as a pathogenic variant nor as a benign variant, to our knowledge. The p.Asp420_Phe422delinsAlaHisGln variant is absent in gnomAD Exomes databases. This variant has not been submitted to the ClinVar database. This variant causes a deletion of amino acid Aspartic Acid at position 420, Valine at position 421, and Phenylalanine at position 421, and causes an insertion of Alanine and Histidine at position 420, and an insertion of a Glutamine residue, that may create a premature Stop codon in the new reading frame. Loss of function variants in LGI4 gene have been previously reported to be disease causing. However, since this variant is present in the penultimate exon, functional studies will be required to prove protein truncation. Hence the variant is classified as a Variant of Uncertain Significance (VUS). In the absence of another reportable variant in the LGI4 gene, the molecular diagnosis is not confirmed.